The following is an entry in ClinVar:

NM_002691.4(POLD1):c.1494+6T>C

Gene: POLD1 (DNA polymerase delta 1, catalytic subunit; plus strand). Cytogenetic location: 19q13.33.
Variant type: single nucleotide variant.
Coding change: c.1494+6T>C on transcript NM_002691.4 (MANE Select); 6 bases into the intron after coding-DNA position 1494, T replaced by C.
Molecular consequence: intron variant.
Genome position (GRCh38, 1-based): chr19:50,406,523, T>C. VCF-style: chr19-50406523-T-C. GRCh37 (hg19) VCF-style: chr19-50909780-T-C.
Other names: c.1494+6T>C (NM_001256849.1, NM_001308632.1).
Identifiers: ClinVar variation 1515406 (VCV001515406.6), dbSNP rs2122328583, ClinGen allele CA2573156683.

ClinVar aggregate classification (germline): Uncertain significance (1 of 4 stars; one submission).

Conditions:
POLD1-related polyposis and colorectal cancer syndrome (CRCS10). Also called: Colorectal cancer 10; COLORECTAL CANCER, SUSCEPTIBILITY TO, ON CHROMOSOME 19q; Colorectal cancer, susceptibility to, 10. Identifiers: Orphanet 220460, MedGen C2675481, MONDO:0012953, OMIM 612591.

Submission:

Labcorp Genetics (formerly Invitae), Labcorp
Classification: Uncertain significance for POLD1-related polyposis and colorectal cancer syndrome. Last evaluated: 2021-04-26. Review status: criteria provided, single submitter. Criteria: Invitae Variant Classification Sherloc (09022015). Collection method: clinical testing. Allele origin: germline.
Comment: This sequence change falls in intron 12 of the POLD1 gene. It does not directly change the encoded amino acid sequence of the POLD1 protein. It affects a nucleotide within the consensus splice site of the intron. This variant is not present in population databases (ExAC no frequency). This variant has not been reported in the literature in individuals with POLD1-related conditions. Nucleotide substitutions within the consensus splice site are a relatively common cause of aberrant splicing (PMID: 17576681, 9536098). Algorithms developed to predict the effect of sequence changes on RNA splicing suggest that this variant is not likely to affect RNA splicing, but this prediction has not been confirmed by published transcriptional studies. In summary, the available evidence is currently insufficient to determine the role of this variant in disease. Therefore, it has been classified as a Variant of Uncertain Significance.

Literature cited by the submitters: PubMed 17576681; PubMed 9536098.